The following is an entry in ClinVar:

NM_000070.3(CAPN3):c.2040C>T (p.Val680=)

Gene: CAPN3 (calpain 3; plus strand). Cytogenetic location: 15q15.1.
Variant type: single nucleotide variant.
Coding change: c.2040C>T on transcript NM_000070.3 (MANE Select); coding-DNA position 2040, C replaced by T.
Protein change: p.Val680=; no amino-acid change (valine 680 retained).
Molecular consequence: synonymous variant.
Genome position (GRCh38, 1-based): chr15:42,409,834, C>T. VCF-style: chr15-42409834-C-T. GRCh37 (hg19) VCF-style: chr15-42702032-C-T.
Other names: c.2022C>T, p.Val674= (NM_024344.2); c.1764C>T, p.Val588= (NM_173087.2); c.504C>T, p.Val168= (NM_173088.2); c.45C>T, p.Val15= (NM_173089.2, NM_173090.2).
Identifiers: ClinVar variation 500692 (VCV000500692.18), dbSNP rs200583904, ClinGen allele CA7511664.

ClinVar aggregate classification (germline): Conflicting classifications of pathogenicity. Review status: criteria provided, conflicting classifications (1 of 4 stars). 5 submissions from 5 submitters: Uncertain significance (1); Likely benign (3). 1 of the submissions does not count toward it. Last evaluated 2026-04-13.

Conditions:
CAPN3-related disorder. Also called: CAPN3-related disorders; CAPN3-related condition. Identifiers: MedGen CN239245.
Autosomal recessive limb-girdle muscular dystrophy type 2A (LGMDR1). Also called: Limb-girdle muscular dystrophy, type 2A; LEYDEN-MOEBIUS MUSCULAR DYSTROPHY; MUSCULAR DYSTROPHY, PELVOFEMORAL; Muscular dystrophy, limb-girdle, type 2A, Amish; Calpainopathy. Identifiers: Orphanet 267, MedGen C1869123, MONDO:0009675, OMIM 253600. Disease mechanism: loss of function.

Allele frequency attached by ClinVar (database versions not stated): gnomAD 0.00004 and 0.00008; TOPMed 0.00009; 1000 Genomes Project 0.00060; 1000 Genomes Project 30x 0.00078.
gnomAD v4.1: 41 of 1,518,112 alleles (0.0027%); highest among the groups gnomAD compares: Admixed American, 0.022%; no homozygotes.

Submissions (5):

PreventionGenetics, part of Exact Sciences
Classification: Likely benign for CAPN3-related condition. Last evaluated: 2026-04-13. Review status: criteria provided, single submitter. Criteria: ACMG Guidelines, 2015. Collection method: clinical testing. Allele origin: germline.
Comment: This variant is classified as likely benign based on ACMG/AMP sequence variant interpretation guidelines (Richards et al. 2015 PMID: 25741868, with internal and published modifications).

Labcorp Genetics (formerly Invitae), Labcorp
Classification: Likely benign for Autosomal recessive limb-girdle muscular dystrophy type 2A. Last evaluated: 2026-01-11. Review status: criteria provided, single submitter. Criteria: Invitae Variant Classification Sherloc (09022015). Collection method: clinical testing. Allele origin: germline.

Blueprint Genetics
Classification: Likely benign. Last evaluated: 2024-03-04. Review status: criteria provided, single submitter. Criteria: ACMG Guidelines, 2015. Collection method: clinical testing. Allele origin: germline.

Eurofins Ntd Llc (ga)
Classification: Uncertain significance. Last evaluated: 2017-03-03. Review status: criteria provided, single submitter. Criteria: EGL Classification Definitions 2015. Collection method: clinical testing. Allele origin: germline. Observed: 1 variant allele, 1 heterozygote.

Natera, Inc.
Classification: Uncertain significance for Limb-girdle muscular dystrophy type 2A. Last evaluated: 2020-04-17. Review status: no assertion criteria provided. Collection method: clinical testing. Allele origin: germline. Not counted in ClinVar's aggregate classification.